The following is an entry in ClinVar:

NM_001042492.3(NF1):c.7871C>G (p.Ala2624Gly)

Gene: NF1 (neurofibromin 1; plus strand). Cytogenetic location: 17q11.2.
Variant type: single nucleotide variant.
Coding change: c.7871C>G on transcript NM_001042492.3 (MANE Select); coding-DNA position 7871, C replaced by G.
Protein change: p.Ala2624Gly; replaces alanine 2624 with glycine.
Molecular consequence: missense variant.
Genome position (GRCh38, 1-based): chr17:31,357,270, C>G. VCF-style: chr17-31357270-C-G. GRCh37 (hg19) VCF-style: chr17-29684288-C-G.
Other names: c.7808C>G, p.Ala2603Gly (NM_000267.4); short protein forms A2603G, A2624G.
Identifiers: ClinVar variation 3655085 (VCV003655085.2).

ClinVar aggregate classification (germline): Uncertain significance (1 of 4 stars; one submission).

Conditions:
Neurofibromatosis, type 1 (NF1). Also called: Peripheral type neurofibromatosis; VON RECKLINGHAUSEN DISEASE; NEUROFIBROMATOSIS, TYPE I, SOMATIC; Neurofibromatosis, type I. Identifiers: Orphanet 636, MedGen C0027831, MONDO:0018975, OMIM 162200. Disease mechanism: loss of function.

Submission:

Labcorp Genetics (formerly Invitae), Labcorp
Classification: Uncertain significance for Neurofibromatosis, type 1. Last evaluated: 2024-05-31. Review status: criteria provided, single submitter. Criteria: Invitae Variant Classification Sherloc (09022015). Collection method: clinical testing. Allele origin: germline.
Comment: This sequence change replaces alanine, which is neutral and non-polar, with glycine, which is neutral and non-polar, at codon 2603 of the NF1 protein (p.Ala2603Gly). This variant is not present in population databases (gnomAD no frequency). This variant has not been reported in the literature in individuals affected with NF1-related conditions. An algorithm developed to predict the effect of missense changes on protein structure and function (PolyPhen-2) suggests that this variant is likely to be disruptive. In summary, the available evidence is currently insufficient to determine the role of this variant in disease. Therefore, it has been classified as a Variant of Uncertain Significance.